The following is an entry in ClinVar:

NM_000540.3(RYR1):c.1247G>A (p.Ser416Asn)

Gene: RYR1 (ryanodine receptor 1; plus strand). Cytogenetic location: 19q13.2.
Variant type: single nucleotide variant.
Coding change: c.1247G>A on transcript NM_000540.3 (MANE Select); coding-DNA position 1247, G replaced by A.
Protein change: p.Ser416Asn; replaces serine 416 with asparagine.
Molecular consequence: missense variant.
Genome position (GRCh38, 1-based): chr19:38,452,821, G>A. VCF-style: chr19-38452821-G-A. GRCh37 (hg19) VCF-style: chr19-38943461-G-A.
Other names: c.1247G>A (NM_000540.2); c.1247G>A, p.Ser416Asn (NM_001042723.2); short protein forms S416N.
Identifiers: ClinVar variation 1507115 (VCV001507115.10), dbSNP rs1967148373, ClinGen allele CA405685075.

ClinVar aggregate classification (germline): Uncertain significance. Review status: criteria provided, multiple submitters, no conflicts (2 of 4 stars). 6 submissions from 6 submitters: Uncertain significance (6). Last evaluated 2026-02-16.

Conditions:
Malignant hyperthermia, susceptibility to, 1 (MHS1). Also called: Anesthesia related hyperthermia; Malignant hyperpyrexia; Fulminating hyperpyrexia; Pharmacogenic myopathy; Malignant hyperthermia suceptibility 1; RYR1-Related Malignant Hyperthermia Susceptibility. Identifiers: Orphanet 423, MedGen C2930980, MONDO:0007783, OMIM 145600.
RYR1-related disorder. Also called: RYR1-related disorders; RYR1-related condition. Identifiers: MedGen CN239331.

Allele frequency attached by ClinVar (database versions not stated): gnomAD 0.00001; gnomAD exomes 0.00001; TOPMed 0.00003.
gnomAD v4.1: 4 of 1,589,226 alleles (0.00025%); highest among the groups gnomAD compares: African/African-American, 0.0027%; no homozygotes.

Submissions (6):

PreventionGenetics, part of Exact Sciences
Classification: Uncertain significance for RYR1-related condition. Last evaluated: 2026-02-16. Review status: criteria provided, single submitter. Criteria: ACMG Guidelines, 2015. Collection method: clinical testing. Allele origin: germline.
Comment: The RYR1 c.1247G>A variant is predicted to result in the amino acid substitution p.Ser416Asn. To our knowledge, this variant has not been reported in the literature or in a large population database (gnomAD), indicating this variant is rare. At this time, the clinical significance of this variant is uncertain due to the absence of conclusive functional and genetic evidence.

All of Us Research Program, National Institutes of Health
Classification: Uncertain significance for Malignant hyperthermia, susceptibility to, 1. Last evaluated: 2024-06-09. Review status: criteria provided, single submitter. Criteria: ACMG Guidelines, 2015. Collection method: clinical testing. Allele origin: germline. Inheritance: Autosomal dominant inheritance. Observed: 3 variant alleles, 3 heterozygotes.
Comment: This missense variant replaces serine with asparagine at codon 416 of the RYR1 protein. Computational prediction suggests that this variant may not impact protein structure and function (internally defined REVEL score threshold <= 0.5, PMID: 27666373). To our knowledge, functional studies have not been reported for this variant. This variant has not been reported in individuals affected with RYR1-related disorders in the literature. This variant has not been identified in the general population by the Genome Aggregation Database (gnomAD). The available evidence is insufficient to determine the role of this variant in disease conclusively. Therefore, this variant is classified as a Variant of Uncertain Significance.

This study involves interpretation of variants in research participants for the purpose of population health screening. Participant phenotype was not available at the time of variant classification. Additional details can be found in publication PMID: 35346344, PMCID: PMC8962531

Color Diagnostics, LLC DBA Color Health
Classification: Uncertain significance for Malignant hyperthermia, susceptibility to, 1. Last evaluated: 2024-06-04. Review status: criteria provided, single submitter. Criteria: ACMG Guidelines, 2015. Collection method: clinical testing. Allele origin: germline.
Comment: This missense variant replaces serine with asparagine at codon 416 of the RYR1 protein. Computational prediction suggests that this variant may not impact protein structure and function. To our knowledge, functional studies have not been reported for this variant. This variant has not been reported in individuals affected with RYR1-related disorders in the literature. This variant has not been identified in the general population by the Genome Aggregation Database (gnomAD). The available evidence is insufficient to determine the role of this variant in disease conclusively. Therefore, this variant is classified as a Variant of Uncertain Significance.

GeneDx
Classification: Uncertain significance. Last evaluated: 2023-01-17. Review status: criteria provided, single submitter. Criteria: GeneDx Variant Classification Process June 2021. Collection method: clinical testing. Allele origin: germline. Affected: yes.
Comment: Not observed at significant frequency in large population cohorts (gnomAD); In silico analysis supports that this missense variant does not alter protein structure/function; Has not been previously published as pathogenic or benign to our knowledge

Labcorp Genetics (formerly Invitae), Labcorp
Classification: Uncertain significance for RYR1-related disorder. Last evaluated: 2022-08-09. Review status: criteria provided, single submitter. Criteria: Invitae Variant Classification Sherloc (09022015). Collection method: clinical testing. Allele origin: germline.
Comment: This sequence change replaces serine, which is neutral and polar, with asparagine, which is neutral and polar, at codon 416 of the RYR1 protein (p.Ser416Asn). This variant is not present in population databases (gnomAD no frequency). This variant has not been reported in the literature in individuals affected with RYR1-related conditions. ClinVar contains an entry for this variant (Variation ID: 1507115). Algorithms developed to predict the effect of missense changes on protein structure and function are either unavailable or do not agree on the potential impact of this missense change (SIFT: "Deleterious"; PolyPhen-2: "Benign"; Align-GVGD: "Class C0"). In summary, the available evidence is currently insufficient to determine the role of this variant in disease. Therefore, it has been classified as a Variant of Uncertain Significance.

Revvity Omics, Revvity
Classification: Uncertain significance. Last evaluated: 2019-07-03. Review status: criteria provided, single submitter. Criteria: ACMG Guidelines, 2015. Collection method: clinical testing. Allele origin: germline.